The following is an entry in ClinVar:

NM_000175.5(GPI):c.1140G>A (p.Trp380Ter)

Gene: GPI (glucose-6-phosphate isomerase; plus strand). Cytogenetic location: 19q13.11.
Variant type: single nucleotide variant.
Coding change: c.1140G>A on transcript NM_000175.5 (MANE Select); coding-DNA position 1140, G replaced by A.
Protein change: p.Trp380Ter; replaces tryptophan 380 with a stop codon.
Molecular consequence: nonsense.
Genome position (GRCh38, 1-based): chr19:34,396,378, G>A. VCF-style: chr19-34396378-G-A. GRCh37 (hg19) VCF-style: chr19-34887283-G-A.
Other names: c.1173G>A, p.Trp391Ter (NM_001184722.1); c.1257G>A, p.Trp419Ter (NM_001289789.1); c.1056G>A, p.Trp352Ter (NM_001289790.3); c.1140G>A, p.Trp380Ter (NM_001329909.1, NM_001329910.1, NM_001329911.2); short protein forms W352*, W419*, W380*, W391*.
Identifiers: ClinVar variation 2705368 (VCV002705368.3), dbSNP rs2074944872, ClinGen allele CA405242724.

ClinVar aggregate classification (germline): Pathogenic (1 of 4 stars; one submission).

Allele frequency attached by ClinVar (database versions not stated): gnomAD exomes below 0.00001.
gnomAD v4.1: 1 of 1,614,196 alleles (0.000062%); highest among the groups gnomAD compares: Non-Finnish European, 0.000085%; no homozygotes.

Submission:

Labcorp Genetics (formerly Invitae), Labcorp
Classification: Pathogenic. Last evaluated: 2025-04-17. Review status: criteria provided, single submitter. Criteria: Invitae Variant Classification Sherloc (09022015). Collection method: clinical testing. Allele origin: germline.
Comment: This sequence change creates a premature translational stop signal (p.Trp380*) in the GPI gene. It is expected to result in an absent or disrupted protein product. Loss-of-function variants in GPI are known to be pathogenic (PMID: 10916680, 27519939). This variant is not present in population databases (gnomAD no frequency). This variant has not been reported in the literature in individuals affected with GPI-related conditions. ClinVar contains an entry for this variant (Variation ID: 2705368). For these reasons, this variant has been classified as Pathogenic.

Literature cited by the submitters: PubMed 10916680; PubMed 27519939.